The following is an entry in ClinVar:

NM_001128228.3(TPRN):c.702T>A (p.Pro234=)

Gene: TPRN (taperin; minus strand). Cytogenetic location: 9q34.3.
Variant type: single nucleotide variant.
Coding change: c.702T>A on transcript NM_001128228.3 (MANE Select); coding-DNA position 702, T replaced by A.
Protein change: p.Pro234=; no amino-acid change (proline 234 retained).
Molecular consequence: synonymous variant.
Genome position (GRCh38, 1-based): chr9:137,200,010, A>T on the plus strand (T>A on the coding strand, the complement: TPRN is on the minus strand). VCF-style: chr9-137200010-A-T. GRCh37 (hg19) VCF-style: chr9-140094462-A-T.
Identifiers: ClinVar variation 3252925 (VCV003252925.1), dbSNP rs1834777477.
Genomic context (GRCh38, chr9:137,200,010, plus strand): 5'-CGACTCCACCTTTGGCTTCCACTGTCCCGACCCAGGCGGGGAGCCCGCGAGGCGGTTGGC[A>T]GGGCCGGCCCGGGGCTCAGGGGCCGAGTGCCCGTTGGAGAGCAGGCGGGCGCCCGCGCCG-3'
Protein context (NP_001121700.2, residues 224-244): GHSAPEPRAG[Pro234=]ANRLAGSPPG

ClinVar aggregate classification (germline): Uncertain significance (1 of 4 stars; one submission).

Allele frequency attached by ClinVar (database versions not stated): gnomAD 0.00001.
gnomAD v4.1: 1 of 1,444,206 alleles (0.000069%); highest among the groups gnomAD compares: African/African-American, 0.0014%; no homozygotes.

Submission:

GeneDx
Classification: Uncertain significance. Last evaluated: 2023-12-01. Review status: criteria provided, single submitter. Criteria: GeneDx Variant Classification Process June 2021. Collection method: clinical testing. Allele origin: germline. Affected: yes.
Comment: Not observed at significant frequency in large population cohorts (gnomAD); In silico analysis supports that this variant does not alter splicing; Has not been previously published as pathogenic or benign to our knowledge